The following is an entry in ClinVar:

NM_004817.4(TJP2):c.3269A>G (p.His1090Arg)

Gene: TJP2 (tight junction protein 2; plus strand). Cytogenetic location: 9q21.11.
Variant type: single nucleotide variant.
Coding change: c.3269A>G on transcript NM_004817.4 (MANE Select); coding-DNA position 3269, A replaced by G.
Protein change: p.His1090Arg; replaces histidine 1090 with arginine.
Molecular consequence: missense variant. On other transcripts: intron variant (3).
Genome position (GRCh38, 1-based): chr9:69,251,312, A>G. VCF-style: chr9-69251312-A-G. GRCh37 (hg19) VCF-style: chr9-71866228-A-G.
Other names: c.3170A>G, p.His1057Arg (NM_001170415.1); c.3362A>G, p.His1121Arg (NM_001170416.2); c.3194A>G, p.His1065Arg (NM_001369870.1); c.3200A>G, p.His1067Arg (NM_001369871.1); c.3158A>G, p.His1053Arg (NM_001369872.1); c.2945A>G, p.His982Arg (NM_001369873.1); c.3281A>G, p.His1094Arg (NM_001369875.1); c.2812-1503A>G (NM_001170414.2); and 2 more; short protein forms H1053R, H1057R, H1065R, H1067R, H1090R, H1094R, H1121R, H982R.
Identifiers: ClinVar variation 3343729 (VCV003343729.1).

ClinVar aggregate classification (germline): Uncertain significance (1 of 4 stars; one submission).

Submission:

GeneDx
Classification: Uncertain significance. Last evaluated: 2023-05-22. Review status: criteria provided, single submitter. Criteria: GeneDx Variant Classification Process June 2021. Collection method: clinical testing. Allele origin: germline. Affected: yes.
Comment: Not observed at significant frequency in large population cohorts (gnomAD); In silico analysis supports that this missense variant has a deleterious effect on protein structure/function; Has not been previously published as pathogenic or benign to our knowledge